The following is an entry in ClinVar:

NM_000088.4(COL1A1):c.299-15C>T

Gene: COL1A1 (collagen type I alpha 1 chain; minus strand). Cytogenetic location: 17q21.33.
Variant type: single nucleotide variant.
Coding change: c.299-15C>T on transcript NM_000088.4 (MANE Select); 15 bases into the intron before coding-DNA position 299, C replaced by T.
Molecular consequence: intron variant.
Genome position (GRCh38, 1-based): chr17:50,199,605, G>A on the plus strand (C>T on the coding strand, the complement: COL1A1 is on the minus strand). VCF-style: chr17-50199605-G-A. GRCh37 (hg19) VCF-style: chr17-48276966-G-A.
Identifiers: ClinVar variation 447142 (VCV000447142.39), dbSNP rs199523510, ClinGen allele CA8645765.
Genomic context (GRCh38, chr17:50,199,605, plus strand): 5'-CAGGAGATTACCTCGACGCCGGTGGTTTCTTGGTCGGTGGGTGACTCTAGGGGACGAAGA[G>A]ACGCGCGTTAGAGCCAAGGTTTGCTAATGCTGCTCCCGTCGGCAGAGGCCTCCAGCACGG-3'

ClinVar aggregate classification (germline): Conflicting classifications of pathogenicity. Review status: criteria provided, conflicting classifications (1 of 4 stars). 9 submissions from 7 submitters: Uncertain significance (1); Benign (5); Likely benign (3). Last evaluated 2026-01-18.

Conditions:
Ehlers-Danlos syndrome, arthrochalasia type. Also called: Ehlers-Danlos syndrome, arthrochalasis type; Ehlers-Danlos syndrome, arthrochalasia type, 1; ARTHROCHALASIS MULTIPLEX CONGENITA; EDS VII, MUTANT PROCOLLAGEN TYPE; EDS VIIA. Identifiers: Orphanet 1899, Orphanet 99875, Orphanet 99876, MedGen C4551623, MONDO:0007525, OMIM 130060.
Osteogenesis imperfecta (OI). Identifiers: Orphanet 666, MedGen C0029434, MeSH D010013, MONDO:0019019.
Infantile cortical hyperostosis. Also called: Caffey Disease; P1PK BLOOD GROUP SYSTEM, P(2) PHENOTYPE; Hyperostosis, Cortical, Congenital. Identifiers: Orphanet 1310, MedGen C0020497, MONDO:0007244, OMIM 114000.
Osteogenesis imperfecta type I (OI1). Also called: OI, TYPE I; OSTEOGENESIS IMPERFECTA TARDA; OSTEOGENESIS IMPERFECTA WITH BLUE SCLERAE; Osteogenesis imperfecta type 1; Lobstein's Disease; Classic Non-deforming Osteogenesis Imperfecta with Blue Sclerae. Identifiers: Orphanet 216796, Orphanet 666, MedGen C0023931, MONDO:0008146, OMIM 166200. Disease mechanism: loss of function.

Allele frequency attached by ClinVar (database versions not stated): ESP Exome Variant Server 0.00008; gnomAD exomes 0.00012 and 0.00019; gnomAD 0.00019 and 0.00021; ExAC 0.00022; TOPMed 0.00032; 1000 Genomes Project 0.00060.
gnomAD v4.1: 224 of 1,614,108 alleles (0.014%); highest among the groups gnomAD compares: Middle Eastern, 0.5%; 2 homozygotes.

Submissions (9):

Labcorp Genetics (formerly Invitae), Labcorp
Classification: Benign for Osteogenesis imperfecta type I. Last evaluated: 2026-01-18. Review status: criteria provided, single submitter. Criteria: Invitae Variant Classification Sherloc (09022015). Collection method: clinical testing. Allele origin: germline.

Blueprint Genetics
Classification: Likely benign. Last evaluated: 2024-08-20. Review status: criteria provided, single submitter. Criteria: ACMG Guidelines, 2015. Collection method: clinical testing. Allele origin: germline.

Women's Health and Genetics/Laboratory Corporation of America, LabCorp
Classification: Benign. Last evaluated: 2023-12-08. Review status: criteria provided, single submitter. Criteria: LabCorp Variant Classification Summary - May 2015. Collection method: clinical testing. Allele origin: germline.
Comment: Variant summary: COL1A1 c.299-15C>T alters a non-conserved nucleotide located at a position not widely known to affect splicing. Consensus agreement among computation tools predict no significant impact on normal splicing. However, these predictions have yet to be confirmed by functional studies. The variant allele was found at a frequency of 0.00019 in 251360 control chromosomes in the gnomAD database, including 1 homozygotes. The observed variant frequency is approximately 6.65 fold of the estimated maximal expected allele frequency for a pathogenic variant in COL1A1 causing Osteogenesis Imperfecta phenotype (2.8e-05), strongly suggesting that the variant is benign. To our knowledge, no occurrence of c.299-15C>T in individuals affected with Osteogenesis Imperfecta and no experimental evidence demonstrating its impact on protein function have been reported. Seven submitters have cited clinical-significance assessments for this variant to ClinVar after 2014. Six submitters classified the variant as likely benign/benign while one classified as VUS. Based on the evidence outlined above, the variant was classified as benign.

CeGaT Center for Human Genetics Tuebingen
Classification: Benign. Last evaluated: 2022-10-01. Review status: criteria provided, single submitter. Criteria: CeGaT Center For Human Genetics Tuebingen Variant Classification Criteria Version 2. Collection method: clinical testing. Allele origin: germline. Affected: yes. Observed: 1 variant allele.
Comment: COL1A1: BS1, BS2

GeneDx
Classification: Likely benign. Last evaluated: 2018-03-09. Review status: criteria provided, single submitter. Criteria: GeneDx Variant Classification (06012015). Collection method: clinical testing. Allele origin: germline. Affected: yes.
Comment: This variant is considered likely benign or benign based on one or more of the following criteria: it is a conservative change, it occurs at a poorly conserved position in the protein, it is predicted to be benign by multiple in silico algorithms, and/or has population frequency not consistent with disease.

Illumina Laboratory Services, Illumina
Classification: Uncertain significance for Infantile cortical hyperostosis. Last evaluated: 2018-01-13. Review status: criteria provided, single submitter. Criteria: ICSL Variant Classification Criteria 13 December 2019. Collection method: clinical testing. Allele origin: germline.

Illumina Laboratory Services, Illumina
Classification: Benign for Ehlers-Danlos syndrome, arthrochalasia type. Last evaluated: 2018-01-13. Review status: criteria provided, single submitter. Criteria: ICSL Variant Classification Criteria 13 December 2019. Collection method: clinical testing. Allele origin: germline.
Comment: This variant was observed in the ICSL laboratory as part of a predisposition screen in an ostensibly healthy population. It had not been previously curated by ICSL or reported in the Human Gene Mutation Database (HGMD: prior to June 1st, 2018), and was therefore a candidate for classification through an automated scoring system. Utilizing variant allele frequency, disease prevalence and penetrance estimates, and inheritance mode, an automated score was calculated to assess if this variant is too frequent to cause the disease. Based on the score and internal cut-off values, a variant classified as benign is not then subjected to further curation. The score for this variant resulted in a classification of benign for this disease.

Illumina Laboratory Services, Illumina
Classification: Likely benign for Osteogenesis imperfecta. Last evaluated: 2018-01-13. Review status: criteria provided, single submitter. Criteria: ICSL Variant Classification Criteria 13 December 2019. Collection method: clinical testing. Allele origin: germline.
Comment: This variant was observed in the ICSL laboratory as part of a predisposition screen in an ostensibly healthy population. It had not been previously curated by ICSL or reported in the Human Gene Mutation Database (HGMD: prior to June 1st, 2018), and was therefore a candidate for classification through an automated scoring system. Utilizing variant allele frequency, disease prevalence and penetrance estimates, and inheritance mode, an automated score was calculated to assess if this variant is too frequent to cause the disease. Based on the score and internal cut-off values, a variant classified as likely benign is not then subjected to further curation. The score for this variant resulted in a classification of likely benign for this disease.

Athena Diagnostics
Classification: Benign. Last evaluated: 2017-01-25. Review status: criteria provided, single submitter. Criteria: Athena Diagnostics Criteria. Collection method: clinical testing. Allele origin: germline.